The following is an entry in ClinVar:

NM_003597.5(KLF11):c.940G>C (p.Val314Leu)

Gene: KLF11 (KLF transcription factor 11; plus strand). Cytogenetic location: 2p25.1.
Variant type: single nucleotide variant.
Coding change: c.940G>C on transcript NM_003597.5 (MANE Select); coding-DNA position 940, G replaced by C.
Protein change: p.Val314Leu; replaces valine 314 with leucine.
Molecular consequence: missense variant.
Genome position (GRCh38, 1-based): chr2:10,048,277, G>C. VCF-style: chr2-10048277-G-C. GRCh37 (hg19) VCF-style: chr2-10188404-G-C.
Other names: c.889G>C, p.Val297Leu (NM_001177716.2, NM_001177718.2); short protein forms V314L, V297L.
Identifiers: ClinVar variation 1923432 (VCV001923432.6), dbSNP rs778387760, ClinGen allele CA1525638.

ClinVar aggregate classification (germline): Uncertain significance. Review status: criteria provided, multiple submitters, no conflicts (2 of 4 stars). 2 submissions from 2 submitters: Uncertain significance (2). Last evaluated 2021-12-18.

Allele frequency attached by ClinVar (database versions not stated): gnomAD 0.00001; gnomAD exomes 0.00002; ExAC 0.00004.

Submissions (2):

Labcorp Genetics (formerly Invitae), Labcorp
Classification: Uncertain significance. Last evaluated: 2021-12-18. Review status: criteria provided, single submitter. Criteria: Invitae Variant Classification Sherloc (09022015). Collection method: clinical testing. Allele origin: germline.
Comment: In summary, the available evidence is currently insufficient to determine the role of this variant in disease. Therefore, it has been classified as a Variant of Uncertain Significance. Algorithms developed to predict the effect of missense changes on protein structure and function (SIFT, PolyPhen-2, Align-GVGD) all suggest that this variant is likely to be tolerated. This variant has not been reported in the literature in individuals affected with KLF11-related conditions. This variant is present in population databases (rs778387760, gnomAD 0.04%). This sequence change replaces valine, which is neutral and non-polar, with leucine, which is neutral and non-polar, at codon 314 of the KLF11 protein (p.Val314Leu).

Ambry Genetics
Classification: Uncertain significance. Last evaluated: 2021-09-27. Review status: criteria provided, single submitter. Criteria: Ambry Variant Classification Scheme 2023. Collection method: clinical testing. Allele origin: germline.